The following is an entry in ClinVar:

ClinVar aggregate classification (germline): Uncertain significance. Review status: criteria provided, multiple submitters, no conflicts (2 of 4 stars). 2 submissions from 2 submitters: Uncertain significance (2). Last evaluated 2025-09-15.

Conditions:
DGUOK-related disorder. Also called: DGUOK-related condition.

Allele frequency attached by ClinVar (database versions not stated): TOPMed below 0.00001; gnomAD 0.00001; ExAC 0.00002; gnomAD exomes 0.00002.
gnomAD v4.1: 11 of 1,614,016 alleles (0.00068%); highest among the groups gnomAD compares: East Asian, 0.0089%; no homozygotes.

Submissions (2):

Labcorp Genetics (formerly Invitae), Labcorp
Classification: Uncertain significance. Last evaluated: 2025-09-15. Review status: criteria provided, single submitter. Criteria: Invitae Variant Classification Sherloc (09022015). Collection method: clinical testing. Allele origin: germline.
Comment: This sequence change replaces arginine, which is basic and polar, with glutamine, which is neutral and polar, at codon 105 of the DGUOK protein (p.Arg105Gln). This variant is present in population databases (rs776244110, gnomAD 0.02%). This variant has not been reported in the literature in individuals affected with DGUOK-related conditions. ClinVar contains an entry for this variant (Variation ID: 1392278). Invitae Evidence Modeling of protein sequence and biophysical properties (such as structural, functional, and spatial information, amino acid conservation, physicochemical variation, residue mobility, and thermodynamic stability) indicates that this missense variant is expected to disrupt DGUOK protein function with a positive predictive value of 95%. In summary, the available evidence is currently insufficient to determine the role of this variant in disease. Therefore, it has been classified as a Variant of Uncertain Significance.

PreventionGenetics, part of Exact Sciences
Classification: Uncertain significance for DGUOK-related condition. Last evaluated: 2025-07-01. Review status: criteria provided, single submitter. Criteria: ACMG Guidelines, 2015. Collection method: clinical testing. Allele origin: germline.
Comment: The DGUOK c.314G>A variant is predicted to result in the amino acid substitution p.Arg105Gln. To our knowledge, this variant has not been reported in the literature. This variant is reported in 0.016% of alleles in individuals of East Asian descent in gnomAD. At this time, the clinical significance of this variant is uncertain due to the absence of conclusive functional and genetic evidence.

NM_080916.3(DGUOK):c.314G>A (p.Arg105Gln)

Gene: DGUOK (deoxyguanosine kinase; plus strand). Cytogenetic location: 2p13.1.
Variant type: single nucleotide variant.
Coding change: c.314G>A on transcript NM_080916.3 (MANE Select); coding-DNA position 314, G replaced by A.
Protein change: p.Arg105Gln; replaces arginine 105 with glutamine.
Molecular consequence: missense variant. On other transcripts: non-coding transcript variant (5).
Genome position (GRCh38, 1-based): chr2:73,946,777, G>A. VCF-style: chr2-73946777-G-A. GRCh37 (hg19) VCF-style: chr2-74173904-G-A.
Other names: c.314G>A, p.Arg105Gln (NM_001318859.2, NM_080918.3); c.23G>A, p.Arg8Gln (NM_001318860.2, NM_001318861.2, NM_001318862.2 and 1 more transcripts); c.314G>A (NM_080916.2); short protein forms R105Q, R8Q.
Identifiers: ClinVar variation 1392278 (VCV001392278.5), dbSNP rs776244110, ClinGen allele CA1718229.